The following is an entry in ClinVar:

ClinVar aggregate classification (germline): Conflicting classifications of pathogenicity. Review status: criteria provided, conflicting classifications (1 of 4 stars). 7 submissions from 7 submitters: Uncertain significance (2); Likely benign (4). 1 of the submissions does not count toward it. Last evaluated 2026-01-24.

Conditions:
CDAN1-related disorder. Also called: CDAN1-related condition.
Congenital dyserythropoietic anemia, type I. Also called: Dyserythropoietic anemia, congenital type 1. Identifiers: Orphanet 98869, MedGen C0271933, MONDO:0020337. Disease mechanism: loss of function.
Anemia, congenital dyserythropoietic, type 1a (CDAN1A). Also called: CDAN1-Related Congenital Dyserythropoietic Anemia; DYSERYTHROPOIETIC ANEMIA, CONGENITAL, TYPE Ia. Identifiers: MedGen C5574667, MONDO:0009135, OMIM 224120.

Allele frequency attached by ClinVar (database versions not stated): 1000 Genomes Project 30x 0.00016; 1000 Genomes Project 0.00020; gnomAD 0.00117 and 0.00123; TOPMed 0.00117; gnomAD exomes 0.00119 and 0.00200; ExAC 0.00123; ESP Exome Variant Server 0.00146.
gnomAD v4.1: 3,065 of 1,614,124 alleles (0.19%); highest among the groups gnomAD compares: Non-Finnish European, 0.24%; 6 homozygotes.

Submissions (7):

Labcorp Genetics (formerly Invitae), Labcorp
Classification: Likely benign. Last evaluated: 2026-01-24. Review status: criteria provided, single submitter. Criteria: Invitae Variant Classification Sherloc (09022015). Collection method: clinical testing. Allele origin: germline.

Mayo Clinic Laboratories, Mayo Clinic
Classification: Likely benign. Last evaluated: 2025-08-27. Review status: criteria provided, single submitter. Criteria: ACMG Guidelines, 2015. Collection method: clinical testing. Allele origin: germline. Observed: 8 variant alleles.

Blueprint Genetics
Classification: Likely benign. Last evaluated: 2024-11-27. Review status: criteria provided, single submitter. Criteria: ACMG Guidelines, 2015. Collection method: clinical testing. Allele origin: germline.

CeGaT Center for Human Genetics Tuebingen
Classification: Likely benign. Last evaluated: 2024-11-01. Review status: criteria provided, single submitter. Criteria: CeGaT Center For Human Genetics Tuebingen Variant Classification Criteria Version 2. Collection method: clinical testing. Allele origin: germline. Affected: yes. Observed: 3 variant alleles.
Comment: CDAN1: BP4, BS2

ARUP Laboratories, Molecular Genetics and Genomics, ARUP Laboratories
Classification: Uncertain significance for Anemia, congenital dyserythropoietic, type 1a. Last evaluated: 2024-08-01. Review status: criteria provided, single submitter. Criteria: ARUP Molecular Germline Variant Investigation Process 2024. Collection method: clinical testing. Allele origin: germline.
Comment: The CDAN1 c.2164C>T, p.Arg722Cys variant (rs140014115), to our knowledge, is not reported in the medical literature but is reported in ClinVar (Variation ID: 887074). This variant is found in the general population with an allele frequency of 0.1% (326/282,470 alleles, including 1 homozygote) in the Genome Aggregation Database. Computational analyses are uncertain whether this variant is neutral or deleterious (REVEL: 0.369). Due to limited information, the clinical significance of the p.Arg722Cys variant is uncertain at this time.

Illumina Laboratory Services, Illumina
Classification: Uncertain significance for Anemia, congenital dyserythropoietic, type 1a. Last evaluated: 2018-01-13. Review status: criteria provided, single submitter. Criteria: ICSL Variant Classification Criteria 13 December 2019. Collection method: clinical testing. Allele origin: germline.

PreventionGenetics, part of Exact Sciences
Classification: Likely benign for CDAN1-related condition. Last evaluated: 2023-11-19. Review status: no assertion criteria provided. Collection method: clinical testing. Allele origin: germline. Not counted in ClinVar's aggregate classification.
Comment: This variant is classified as likely benign based on ACMG/AMP sequence variant interpretation guidelines (Richards et al. 2015 PMID: 25741868, with internal and published modifications).

NM_138477.4(CDAN1):c.2164C>T (p.Arg722Cys)

Gene: CDAN1 (codanin 1; minus strand). Cytogenetic location: 15q15.2.
Variant type: single nucleotide variant.
Coding change: c.2164C>T on transcript NM_138477.4 (MANE Select); coding-DNA position 2164, C replaced by T.
Protein change: p.Arg722Cys; replaces arginine 722 with cysteine.
Molecular consequence: missense variant.
Genome position (GRCh38, 1-based): chr15:42,730,608, G>A on the plus strand (C>T on the coding strand, the complement: CDAN1 is on the minus strand). VCF-style: chr15-42730608-G-A. GRCh37 (hg19) VCF-style: chr15-43022806-G-A.
Other names: p.Arg722Cys; short protein forms R722C.
Identifiers: ClinVar variation 887074 (VCV000887074.55), dbSNP rs140014115, ClinGen allele CA7515809.